The following is an entry in ClinVar:

ClinVar aggregate classification (germline): Uncertain significance. Review status: criteria provided, multiple submitters, no conflicts (2 of 4 stars). 2 submissions from 2 submitters: Uncertain significance (2). Last evaluated 2025-12-26.

Conditions:
TMEM132E-related disorder. Also called: TMEM132E-related condition.

Allele frequency attached by ClinVar (database versions not stated): ExAC 0.00002; TOPMed 0.00006; gnomAD exomes 0.00009.
gnomAD v4.1: 142 of 1,613,414 alleles (0.0088%); highest among the groups gnomAD compares: Non-Finnish European, 0.011%; 1 homozygote.

Submissions (2):

PreventionGenetics, part of Exact Sciences
Classification: Uncertain significance for TMEM132E-related condition. Last evaluated: 2025-12-26. Review status: criteria provided, single submitter. Criteria: ACMG Guidelines, 2015. Collection method: clinical testing. Allele origin: germline.
Comment: The TMEM132E c.1247G>A variant is predicted to result in the amino acid substitution p.Arg416His. To our knowledge, this variant has not been reported in the literature. This variant is reported in 0.012% of alleles in individuals of African descent in gnomAD. At this time, the clinical significance of this variant is uncertain due to the absence of conclusive functional and genetic evidence.

Ambry Genetics
Classification: Uncertain significance. Last evaluated: 2022-12-01. Review status: criteria provided, single submitter. Criteria: Ambry Variant Classification Scheme 2023. Collection method: clinical testing. Allele origin: germline.

NM_001304438.2(TMEM132E):c.1247G>A (p.Arg416His)

Gene: TMEM132E (transmembrane protein 132E; plus strand). Cytogenetic location: 17q12.
Variant type: single nucleotide variant.
Coding change: c.1247G>A on transcript NM_001304438.2 (MANE Select); coding-DNA position 1247, G replaced by A.
Protein change: p.Arg416His; replaces arginine 416 with histidine.
Molecular consequence: missense variant.
Genome position (GRCh38, 1-based): chr17:34,629,113, G>A. VCF-style: chr17-34629113-G-A. GRCh37 (hg19) VCF-style: chr17-32956132-G-A.
Other names: NM_207313.1:c.977G>A; c.1247G>A (NM_001304438.1); short protein forms R416H.
Identifiers: ClinVar variation 2354959 (VCV002354959.3), dbSNP rs781374708, ClinGen allele CA8496615.